The following is an entry in ClinVar:

ClinVar aggregate classification (germline): Uncertain significance (1 of 4 stars; one submission).

Allele frequency attached by ClinVar (database versions not stated): gnomAD 0.00001; TOPMed 0.00001.
gnomAD v4.1: 3 of 1,593,812 alleles (0.00019%); highest among the groups gnomAD compares: African/African-American, 0.0027%; no homozygotes.

Submission:

Labcorp Genetics (formerly Invitae), Labcorp
Classification: Uncertain significance. Last evaluated: 2023-08-17. Review status: criteria provided, single submitter. Criteria: Invitae Variant Classification Sherloc (09022015). Collection method: clinical testing. Allele origin: germline.
Comment: In summary, the available evidence is currently insufficient to determine the role of this variant in disease. Therefore, it has been classified as a Variant of Uncertain Significance. Advanced modeling of protein sequence and biophysical properties (such as structural, functional, and spatial information, amino acid conservation, physicochemical variation, residue mobility, and thermodynamic stability) performed at Invitae indicates that this missense variant is expected to disrupt IMPG2 protein function. ClinVar contains an entry for this variant (Variation ID: 1485927). This variant has not been reported in the literature in individuals affected with IMPG2-related conditions. This variant is present in population databases (no rsID available, gnomAD 0.007%). This sequence change replaces aspartic acid, which is acidic and polar, with glycine, which is neutral and non-polar, at codon 588 of the IMPG2 protein (p.Asp588Gly).

NM_016247.4(IMPG2):c.1763A>G (p.Asp588Gly)

Gene: IMPG2 (interphotoreceptor matrix proteoglycan 2; minus strand). Cytogenetic location: 3q12.3.
Variant type: single nucleotide variant.
Coding change: c.1763A>G on transcript NM_016247.4 (MANE Select); coding-DNA position 1763, A replaced by G.
Protein change: p.Asp588Gly; replaces aspartic acid 588 with glycine.
Molecular consequence: missense variant.
Genome position (GRCh38, 1-based): chr3:101,244,568, T>C on the plus strand (A>G on the coding strand, the complement: IMPG2 is on the minus strand). VCF-style: chr3-101244568-T-C. GRCh37 (hg19) VCF-style: chr3-100963412-T-C.
Other names: short protein forms D588G.
Identifiers: ClinVar variation 1485927 (VCV001485927.7), dbSNP rs746692897, ClinGen allele CA353860167.